The following is an entry in ClinVar:

NM_001003841.3(SLC6A19):c.641G>A (p.Arg214His)

Gene: SLC6A19 (solute carrier family 6 member 19; plus strand). Cytogenetic location: 5p15.33.
Variant type: single nucleotide variant.
Coding change: c.641G>A on transcript NM_001003841.3 (MANE Select); coding-DNA position 641, G replaced by A.
Protein change: p.Arg214His; replaces arginine 214 with histidine.
Molecular consequence: missense variant.
Genome position (GRCh38, 1-based): chr5:1,212,462, G>A. VCF-style: chr5-1212462-G-A. GRCh37 (hg19) VCF-style: chr5-1212577-G-A.
Other names: short protein forms R214H.
Identifiers: ClinVar variation 1429377 (VCV001429377.6), dbSNP rs143274116, ClinGen allele CA3182789.
Genomic context (GRCh38, chr5:1,212,462, plus strand): 5'-AGTGGTGGATGCTGCTGTGCCTGGCCTGCGCATGGAGCGTCCTGTACATGTGCACCATCC[G>A]CGGCATCGAGACCACCGGGAAGGTACTGCATGGGCCCGGCCAGGCTGCAGGTGCTCCAGA-3'
Protein context (NP_001003841.1, residues 204-224): AWSVLYMCTI[Arg214His]GIETTGKAVY

ClinVar aggregate classification (germline): Uncertain significance. Review status: criteria provided, multiple submitters, no conflicts (2 of 4 stars). 3 submissions from 3 submitters: Uncertain significance (3). Last evaluated 2024-10-09.

Conditions:
Neutral 1 amino acid transport defect (HND). Also called: Hartnup disease; HARTNUP DISORDER. Identifiers: Orphanet 2116, MedGen C0018609, MONDO:0009324, OMIM 234500.

Allele frequency attached by ClinVar (database versions not stated): ExAC 0.00003; gnomAD 0.00004 and 0.00005; ESP Exome Variant Server 0.00008; TOPMed 0.00008; gnomAD exomes 0.00009.
gnomAD v4.1: 149 of 1,608,612 alleles (0.0093%); highest among the groups gnomAD compares: East Asian, 0.047%; no homozygotes.

Submissions (3):

Blueprint Genetics
Classification: Uncertain significance. Last evaluated: 2024-10-09. Review status: criteria provided, single submitter. Criteria: ACMG Guidelines, 2015. Collection method: clinical testing. Allele origin: germline.

Fulgent Genetics
Classification: Uncertain significance for Neutral 1 amino acid transport defect. Last evaluated: 2024-06-18. Review status: criteria provided, single submitter. Criteria: ACMG Guidelines, 2015. Collection method: clinical testing. Allele origin: germline.

Labcorp Genetics (formerly Invitae), Labcorp
Classification: Uncertain significance. Last evaluated: 2022-09-13. Review status: criteria provided, single submitter. Criteria: Invitae Variant Classification Sherloc (09022015). Collection method: clinical testing. Allele origin: germline.
Comment: This sequence change replaces arginine, which is basic and polar, with histidine, which is basic and polar, at codon 214 of the SLC6A19 protein (p.Arg214His). This variant is present in population databases (rs143274116, gnomAD 0.02%). This variant has not been reported in the literature in individuals affected with SLC6A19-related conditions. ClinVar contains an entry for this variant (Variation ID: 1429377). Advanced modeling of protein sequence and biophysical properties (such as structural, functional, and spatial information, amino acid conservation, physicochemical variation, residue mobility, and thermodynamic stability) performed at Invitae indicates that this missense variant is expected to disrupt SLC6A19 protein function. In summary, the available evidence is currently insufficient to determine the role of this variant in disease. Therefore, it has been classified as a Variant of Uncertain Significance.